The following is an entry in ClinVar:

NM_001999.4(FBN2):c.3511G>A (p.Gly1171Ser)

Gene: FBN2 (fibrillin 2; minus strand). Cytogenetic location: 5q23.3.
Variant type: single nucleotide variant.
Coding change: c.3511G>A on transcript NM_001999.4 (MANE Select); coding-DNA position 3511, G replaced by A.
Protein change: p.Gly1171Ser; replaces glycine 1171 with serine.
Molecular consequence: missense variant.
Genome position (GRCh38, 1-based): chr5:128,338,084, C>T on the plus strand (G>A on the coding strand, the complement: FBN2 is on the minus strand). VCF-style: chr5-128338084-C-T. GRCh37 (hg19) VCF-style: chr5-127673776-C-T.
Other names: short protein forms G1171S.
Identifiers: ClinVar variation 458760 (VCV000458760.9), dbSNP rs775844150, ClinGen allele CA3395207.

ClinVar aggregate classification (germline): Conflicting classifications of pathogenicity. Review status: criteria provided, conflicting classifications (1 of 4 stars). 4 submissions from 4 submitters: Uncertain significance (2); Likely benign (2). Last evaluated 2025-09-13.

Conditions:
Familial thoracic aortic aneurysm and aortic dissection (TAAD). Also called: Thoracic aortic aneurysms and dissections. Identifiers: Orphanet 91387, MedGen C4707243, MONDO:0019625.
Congenital contractural arachnodactyly (CCA). Also called: Arthrogryposis, distal, type 9; BEALS SYNDROME; Beals-Hecht syndrome. Identifiers: Orphanet 115, MedGen C0220668, MONDO:0007363, OMIM 121050.

Allele frequency attached by ClinVar (database versions not stated): gnomAD exomes below 0.00001 and 0.00001; ExAC 0.00001; TOPMed 0.00003; gnomAD 0.00004.
gnomAD v4.1: 12 of 1,613,854 alleles (0.00074%); highest among the groups gnomAD compares: Admixed American, 0.005%; no homozygotes.

Submissions (4):

Labcorp Genetics (formerly Invitae), Labcorp
Classification: Likely benign for Congenital contractural arachnodactyly. Last evaluated: 2025-09-13. Review status: criteria provided, single submitter. Criteria: Invitae Variant Classification Sherloc (09022015). Collection method: clinical testing. Allele origin: germline.

Ambry Genetics
Classification: Uncertain significance for Familial thoracic aortic aneurysm and aortic dissection. Last evaluated: 2025-03-20. Review status: criteria provided, single submitter. Criteria: Ambry Variant Classification Scheme 2023. Collection method: clinical testing. Allele origin: germline.
Comment: The p.G1171S variant (also known as c.3511G>A), located in coding exon 27 of the FBN2 gene, results from a G to A substitution at nucleotide position 3511. The glycine at codon 1171 is replaced by serine, an amino acid with similar properties. This amino acid position is highly conserved in available vertebrate species. In addition, this alteration is predicted to be deleterious by in silico analysis. Based on the available evidence, the clinical significance of this variant remains unclear.

Blueprint Genetics
Classification: Likely benign. Last evaluated: 2024-11-25. Review status: criteria provided, single submitter. Criteria: ACMG Guidelines, 2015. Collection method: clinical testing. Allele origin: germline.

GeneDx
Classification: Uncertain significance. Last evaluated: 2022-12-01. Review status: criteria provided, single submitter. Criteria: GeneDx Variant Classification Process June 2021. Collection method: clinical testing. Allele origin: germline. Affected: yes.
Comment: Has not been previously published as pathogenic or benign to our knowledge; Not observed at significant frequency in large population cohorts (gnomAD); Although located in a calcium-binding EGF-like domain of the FBN2 gene, it does not substitute or introduce a cysteine residue (Callewaert et al., 2009; Frederic et al., 2009); In silico analysis supports that this missense variant has a deleterious effect on protein structure/function; This variant is associated with the following publications: (PMID: 31506931)